The following is an entry in ClinVar:

NM_005732.4(RAD50):c.2264A>G (p.Gln755Arg)

Gene: RAD50 (RAD50 double strand break repair protein; plus strand). Cytogenetic location: 5q31.1.
Variant type: single nucleotide variant.
Coding change: c.2264A>G on transcript NM_005732.4 (MANE Select); coding-DNA position 2264, A replaced by G.
Protein change: p.Gln755Arg; replaces glutamine 755 with arginine.
Molecular consequence: missense variant.
Genome position (GRCh38, 1-based): chr5:132,603,356, A>G. VCF-style: chr5-132603356-A-G. GRCh37 (hg19) VCF-style: chr5-131939048-A-G.
Other names: c.2264A>G (NM_005732.3); short protein forms Q755R.
Identifiers: ClinVar variation 1348240 (VCV001348240.9), dbSNP rs753305114, ClinGen allele CA3405361.

ClinVar aggregate classification (germline): Uncertain significance. Review status: criteria provided, multiple submitters, no conflicts (2 of 4 stars). 2 submissions from 2 submitters: Uncertain significance (2). Last evaluated 2025-01-13.

Conditions:
Hereditary cancer-predisposing syndrome. Also called: Hereditary neoplastic syndrome; Tumor predisposition; Neoplastic Syndromes, Hereditary; Hereditary Cancer Syndrome. Identifiers: Orphanet 140162, MedGen C0027672, MeSH D009386, MONDO:0015356.

Allele frequency attached by ClinVar (database versions not stated): gnomAD exomes below 0.00001; ExAC 0.00001.
gnomAD v4.1: 1 of 1,613,752 alleles (0.000062%); highest among the groups gnomAD compares: Non-Finnish European, 0.000085%; no homozygotes.

Submissions (2):

Ambry Genetics
Classification: Uncertain significance for Hereditary cancer-predisposing syndrome. Last evaluated: 2025-01-13. Review status: criteria provided, single submitter. Criteria: Ambry Variant Classification Scheme 2023. Collection method: clinical testing. Allele origin: germline.
Comment: The p.Q755R variant (also known as c.2264A>G), located in coding exon 14 of the RAD50 gene, results from an A to G substitution at nucleotide position 2264. The glutamine at codon 755 is replaced by arginine, an amino acid with highly similar properties. This amino acid position is conserved. In addition, the in silico prediction for this alteration is inconclusive. Based on the available evidence, the clinical significance of this variant remains unclear.

Labcorp Genetics (formerly Invitae), Labcorp
Classification: Uncertain significance for Hereditary cancer-predisposing syndrome. Last evaluated: 2021-04-23. Review status: criteria provided, single submitter. Criteria: Invitae Variant Classification Sherloc (09022015). Collection method: clinical testing. Allele origin: germline.
Comment: In summary, the available evidence is currently insufficient to determine the role of this variant in disease. Therefore, it has been classified as a Variant of Uncertain Significance. Algorithms developed to predict the effect of missense changes on protein structure and function (SIFT, PolyPhen-2, Align-GVGD) all suggest that this variant is likely to be tolerated, but these predictions have not been confirmed by published functional studies and their clinical significance is uncertain. This variant has not been reported in the literature in individuals with RAD50-related conditions. This variant is present in population databases (rs753305114, ExAC 0.002%). This sequence change replaces glutamine with arginine at codon 755 of the RAD50 protein (p.Gln755Arg). The glutamine residue is moderately conserved and there is a small physicochemical difference between glutamine and arginine.